The following is an entry in ClinVar:

NM_000388.4(CASR):c.1088G>A (p.Gly363Asp)

Gene: CASR (calcium sensing receptor; plus strand). Cytogenetic location: 3q21.1.
Variant type: single nucleotide variant.
Coding change: c.1088G>A on transcript NM_000388.4 (MANE Select); coding-DNA position 1088, G replaced by A.
Protein change: p.Gly363Asp; replaces glycine 363 with aspartic acid.
Molecular consequence: missense variant.
Genome position (GRCh38, 1-based): chr3:122,262,123, G>A. VCF-style: chr3-122262123-G-A. GRCh37 (hg19) VCF-style: chr3-121980970-G-A.
Other names: c.1088G>A, p.Gly363Asp (NM_001178065.2); short protein forms G363D.
Identifiers: ClinVar variation 1016806 (VCV001016806.10), dbSNP rs2074633801, ClinGen allele CA354152565.

ClinVar aggregate classification (germline): Uncertain significance. Review status: criteria provided, multiple submitters, no conflicts (2 of 4 stars). 2 submissions from 2 submitters: Uncertain significance (2). Last evaluated 2025-09-10.

Conditions:
Autosomal dominant hypocalcemia 1 (HYPOC1). Also called: HYPOCALCEMIA, FAMILIAL. Identifiers: MedGen C3715128, MONDO:0011013, OMIM 601198.
Familial hypocalciuric hypercalcemia (FHH). Also called: Familial benign hypercalcemia. Identifiers: Orphanet 405, MedGen C1809471, MONDO:0018458.
Familial hypocalciuric hypercalcemia 1. Also called: Hypercalcemia, familial benign type 1. Identifiers: Orphanet 405, Orphanet 93372, MedGen C0342637, MONDO:0007791, OMIM 145980.

Allele frequency attached by ClinVar (database versions not stated): gnomAD exomes below 0.00001.

Submissions (2):

Genomic Medicine Center of Excellence, King Faisal Specialist Hospital and Research Centre
Classification: Uncertain significance for Familial hypocalciuric hypercalcemia 1. Last evaluated: 2025-09-10. Review status: criteria provided, single submitter. Criteria: ACMG Guidelines, 2015. Collection method: clinical testing. Allele origin: germline.

Labcorp Genetics (formerly Invitae), Labcorp
Classification: Uncertain significance for Familial hypocalciuric hypercalcemia; Autosomal dominant hypocalcemia 1. Last evaluated: 2024-05-07. Review status: criteria provided, single submitter. Criteria: Invitae Variant Classification Sherloc (09022015). Collection method: clinical testing. Allele origin: germline.
Comment: This sequence change replaces glycine, which is neutral and non-polar, with aspartic acid, which is acidic and polar, at codon 363 of the CASR protein (p.Gly363Asp). This variant is not present in population databases (gnomAD no frequency). This variant has not been reported in the literature in individuals affected with CASR-related conditions. ClinVar contains an entry for this variant (Variation ID: 1016806). An algorithm developed to predict the effect of missense changes on protein structure and function (PolyPhen-2) suggests that this variant is likely to be tolerated. In summary, the available evidence is currently insufficient to determine the role of this variant in disease. Therefore, it has been classified as a Variant of Uncertain Significance.